The following is an entry in ClinVar:

ClinVar aggregate classification (germline): Pathogenic (1 of 4 stars; one submission).

Submission:

Labcorp Genetics (formerly Invitae), Labcorp
Classification: Pathogenic. Last evaluated: 2024-05-08. Review status: criteria provided, single submitter. Criteria: Invitae Variant Classification Sherloc (09022015). Collection method: clinical testing. Allele origin: germline.
Comment: This sequence change creates a premature translational stop signal (p.Ser324Valfs*34) in the MYO15A gene. It is expected to result in an absent or disrupted protein product. Loss-of-function variants in MYO15A are known to be pathogenic (PMID: 17546645). This variant is present in population databases (no rsID available, gnomAD 0.0009%). This variant has not been reported in the literature in individuals affected with MYO15A-related conditions. For these reasons, this variant has been classified as Pathogenic.

Literature cited by the submitters: PubMed 17546645.

NM_016239.4(MYO15A):c.968dup (p.Ser324fs)

Gene: MYO15A (myosin XVA; plus strand). Cytogenetic location: 17p11.2.
Variant type: Duplication.
Coding change: c.968dup on transcript NM_016239.4 (MANE Select); coding-DNA position 968, one base duplicated (C; older notation c.968dupC).
Protein change: p.Ser324fs; shifts the reading frame from serine 324.
Molecular consequence: frameshift variant.
Genome position (GRCh38, 1-based): chr17:18,119,768, C duplicated. VCF-style (leftmost placement, unchanged base first): chr17-18119767-T-TC. GRCh37 (hg19) VCF-style: chr17-18023081-T-TC.
Other names: short protein forms S324fs.
Identifiers: ClinVar variation 2812942 (VCV002812942.3), dbSNP rs1301394543, ClinGen allele CA625315025.